The following is an entry in ClinVar:

ClinVar aggregate classification (germline): Likely pathogenic (1 of 4 stars; one submission).

Submission:

GeneDx
Classification: Likely pathogenic. Last evaluated: 2017-02-07. Review status: criteria provided, single submitter. Criteria: GeneDx Variant Classification (06012015). Collection method: clinical testing. Allele origin: germline. Affected: yes.
Comment: The c.6188_6191delTAGA variant in the DYNC2H1 gene has not been reported previously as a pathogenic variant nor as a benign variant, to our knowledge. The c.6188_6191delTAGA variant causes a frameshift starting with codon Isoleucine 2063, changes this amino acid to an Asparagine residue, and creates a premature Stop codon at position 3 of the new reading frame, denoted p.Ile2063AsnfsX3. This variant is predicted to cause loss of normal protein function either through protein truncation or nonsense-mediated mRNA decay. The c.6188_6191delTAGA variant is not observed in large population cohorts (Lek et al., 2016; 1000 Genomes Consortium et al., 2015; Exome Variant Server). We interpret c.6188_6191delTAGA as a likely pathogenic variant.

NM_001377.3(DYNC2H1):c.6188_6191del (p.Ile2063fs)

Gene: DYNC2H1 (dynein cytoplasmic 2 heavy chain 1; plus strand). Cytogenetic location: 11q22.3.
Variant type: Deletion.
Coding change: c.6188_6191del on transcript NM_001377.3 (MANE Select); coding-DNA positions 6188 to 6191, 4 bases deleted (TAGA; older notation c.6188_6191delTAGA).
Protein change: p.Ile2063fs; shifts the reading frame from isoleucine 2063.
Molecular consequence: frameshift variant.
Genome position (GRCh38, 1-based): chr11:103,179,074-103,179,077, TAGA deleted; deleting any 4 consecutive bases within chr11:103,179,072-103,179,077 gives the same sequence; the c. name uses the placement nearest the transcript's 3' end. VCF-style (leftmost placement, unchanged base first): chr11-103179071-GGATA-G. GRCh37 (hg19) VCF-style: chr11-103049800-GGATA-G.
Other names: c.6188_6191del, p.Ile2063fs (NM_001080463.2); short protein forms I2063fs.
Identifiers: ClinVar variation 423101 (VCV000423101.2), dbSNP rs1064796228, ClinGen allele CA16619090.
Genomic context (GRCh38, chr11:103,179,071, plus strand): 5'-TTGATTTGAAAATAGATGTCAGCTCATGGATAATCTGTGATGGTGATATTGACCCTGAAT[GGATA>G]GAATCTCTGAATTCTGTTCTGGATGATAATCGACTGCTGACTATGCCCAGTGGAGAAAGG-3'